The following is an entry in ClinVar:

ClinVar aggregate classification (germline): Pathogenic (1 of 4 stars; one submission).

Conditions:
Hereditary cancer-predisposing syndrome. Also called: Hereditary Cancer Syndrome; Neoplastic Syndromes, Hereditary; Hereditary neoplastic syndrome; Tumor predisposition. Identifiers: Orphanet 140162, MedGen C0027672, MeSH D009386, MONDO:0015356.

Submission:

Ambry Genetics
Classification: Pathogenic for Hereditary cancer-predisposing syndrome. Last evaluated: 2014-08-01. Review status: criteria provided, single submitter. Criteria: Ambry Variant Classification Scheme 2023. Collection method: clinical testing. Allele origin: germline.
Comment: The c.265delC pathogenic mutation, located in coding exon 1 of the MEN1 gene, results from a deletion of one nucleotide at position 265, causing a translational frameshift with a predicted alternate stop codon. Since frameshifts are typically deleterious in nature, this alteration is interpreted as a disease-causing mutation (ACMG Recommendations for Standards for Interpretation and Reporting of Sequence Variations. Revision 2007. Genet Med. 2008;10:294).

NM_001370259.2(MEN1):c.265del (p.Leu89fs)

Gene: MEN1 (menin 1; minus strand). Cytogenetic location: 11q13.1.
Variant type: Deletion.
Coding change: c.265del on transcript NM_001370259.2 (MANE Select); coding-DNA position 265, one base deleted (C; older notation c.265delC).
Protein change: p.Leu89fs; shifts the reading frame from leucine 89.
Molecular consequence: frameshift variant.
Genome position (GRCh38, 1-based): chr11:64,809,845, G deleted on the plus strand (C on the coding strand, the reverse complement: MEN1 is on the minus strand); the first of 3 consecutive G bases (chr11:64,809,845-64,809,847); deleting any one gives the same sequence. VCF-style (leftmost placement, unchanged base first): chr11-64809844-AG-A. GRCh37 (hg19) VCF-style: chr11-64577316-AG-A.
Other names: c.265delC (NM_130799.2); c.265del, p.Leu89fs (NM_000244.4, NM_001370251.2, NM_001370260.2 and 9 more transcripts); short protein forms L89fs.
Identifiers: ClinVar variation 428026 (VCV000428026.6), dbSNP rs1114167490, ClinGen allele CA645369561.